The following is an entry in ClinVar:

NM_001018115.3(FANCD2):c.4022T>G (p.Leu1341Arg)

Genes: FANCD2 (FA complementation group D2; plus strand), FANCD2OS (FANCD2 opposite strand; minus strand). Cytogenetic location: 3p25.3.
Variant type: single nucleotide variant.
Coding change: c.4022T>G on transcript NM_001018115.3 (MANE Select); coding-DNA position 4022, T replaced by G.
Protein change: p.Leu1341Arg; replaces leucine 1341 with arginine.
Molecular consequence: missense variant. On other transcripts: intron variant (1).
Genome position (GRCh38, 1-based): chr3:10,095,258, T>G. VCF-style: chr3-10095258-T-G. GRCh37 (hg19) VCF-style: chr3-10136942-T-G.
Other names: c.4022T>G, p.Leu1341Arg (NM_001319984.2, NM_033084.6); c.3911T>G, p.Leu1304Arg (NM_001374253.1); c.3983T>G, p.Leu1328Arg (NM_001374254.1); c.*43+8940A>C (NM_173472.2); short protein forms L1304R, L1328R, L1341R.
Identifiers: ClinVar variation 1984927 (VCV001984927.3), dbSNP rs2470081235, ClinGen allele CA351757343.

ClinVar aggregate classification (germline): Uncertain significance (1 of 4 stars; one submission).

Conditions:
Fanconi anemia (FA). Also called: Fanconi's anemia. Identifiers: Orphanet 84, MedGen C0015625, MeSH D005199, MONDO:0019391.

Submission:

Labcorp Genetics (formerly Invitae), Labcorp
Classification: Uncertain significance for Fanconi anemia. Last evaluated: 2022-06-22. Review status: criteria provided, single submitter. Criteria: Invitae Variant Classification Sherloc (09022015). Collection method: clinical testing. Allele origin: germline.
Comment: This sequence change replaces leucine, which is neutral and non-polar, with arginine, which is basic and polar, at codon 1341 of the FANCD2 protein (p.Leu1341Arg). Algorithms developed to predict the effect of missense changes on protein structure and function are either unavailable or do not agree on the potential impact of this missense change (SIFT: "Deleterious"; PolyPhen-2: "Possibly Damaging"; Align-GVGD: "Class C0"). This variant is not present in population databases (gnomAD no frequency). This variant has not been reported in the literature in individuals affected with FANCD2-related conditions. In summary, the available evidence is currently insufficient to determine the role of this variant in disease. Therefore, it has been classified as a Variant of Uncertain Significance.